The following is an entry in ClinVar:

NM_018714.3(COG1):c.2747T>C (p.Leu916Pro)

Gene: COG1 (component of oligomeric golgi complex 1; plus strand). Cytogenetic location: 17q25.1.
Variant type: single nucleotide variant.
Coding change: c.2747T>C on transcript NM_018714.3 (MANE Select); coding-DNA position 2747, T replaced by C.
Protein change: p.Leu916Pro; replaces leucine 916 with proline.
Molecular consequence: missense variant.
Genome position (GRCh38, 1-based): chr17:73,207,198, T>C. VCF-style: chr17-73207198-T-C. GRCh37 (hg19) VCF-style: chr17-71203337-T-C.
Other names: short protein forms L916P.
Identifiers: ClinVar variation 2102905 (VCV002102905.4), dbSNP rs764510510, ClinGen allele CA400897057.

ClinVar aggregate classification (germline): Uncertain significance (1 of 4 stars; one submission).

Conditions:
COG1 congenital disorder of glycosylation (CDG2G). Also called: CONGENITAL DISORDER OF GLYCOSYLATION, TYPE IIg; CDG IIg; CDGII/COG1 CEREBROCOSTOMANDIBULAR-LIKE SYNDROME. Identifiers: Orphanet 263508, MedGen C2931011, MONDO:0012637, OMIM 611209.

Submission:

Labcorp Genetics (formerly Invitae), Labcorp
Classification: Uncertain significance for COG1 congenital disorder of glycosylation. Last evaluated: 2022-02-24. Review status: criteria provided, single submitter. Criteria: Invitae Variant Classification Sherloc (09022015). Collection method: clinical testing. Allele origin: germline.
Comment: In summary, the available evidence is currently insufficient to determine the role of this variant in disease. Therefore, it has been classified as a Variant of Uncertain Significance. Algorithms developed to predict the effect of missense changes on protein structure and function are either unavailable or do not agree on the potential impact of this missense change (SIFT: "Deleterious"; PolyPhen-2: "Probably Damaging"; Align-GVGD: "Class C0"). This variant has not been reported in the literature in individuals affected with COG1-related conditions. This variant is not present in population databases (gnomAD no frequency). This sequence change replaces leucine, which is neutral and non-polar, with proline, which is neutral and non-polar, at codon 916 of the COG1 protein (p.Leu916Pro).